The following is an entry in ClinVar:

NM_012156.2(EPB41L1):c.1535A>G (p.Asn512Ser)

Gene: EPB41L1 (erythrocyte membrane protein band 4.1 like 1; plus strand). Cytogenetic location: 20q11.23.
Variant type: single nucleotide variant.
Coding change: c.1535A>G on transcript NM_012156.2 (MANE Select); coding-DNA position 1535, A replaced by G.
Protein change: p.Asn512Ser; replaces asparagine 512 with serine.
Molecular consequence: missense variant.
Genome position (GRCh38, 1-based): chr20:36,197,908, A>G. VCF-style: chr20-36197908-A-G. GRCh37 (hg19) VCF-style: chr20-34785830-A-G.
Other names: c.1313A>G, p.Asn438Ser (NM_001424390.1, NM_001424393.1, NM_001424394.1 and 11 more transcripts); c.1310A>G, p.Asn437Ser (NM_001424391.1, NM_001424392.1, NM_001424374.1 and 3 more transcripts); c.1496A>G, p.Asn499Ser (NM_001424395.1, NM_001424398.1, NM_001424399.1 and 3 more transcripts); c.1499A>G, p.Asn500Ser (NM_001424396.1, NM_001424383.1, NM_001424387.1 and 3 more transcripts); c.1535A>G, p.Asn512Ser (NM_001424397.1, NM_001258329.1, NM_001424384.1 and 1 more transcripts); c.1406A>G, p.Asn469Ser (NM_001258330.1); c.1349A>G, p.Asn450Ser (NM_001424376.1, NM_001424381.1); c.1532A>G, p.Asn511Ser (NM_001424402.1); short protein forms N437S, N438S, N450S, N469S, N499S, N500S, N511S, N512S.
Identifiers: ClinVar variation 4847154 (VCV004847154.1).
Genomic context (GRCh38, chr20:36,197,908, plus strand): 5'-TCTATCCCTAGTTCTTAGACAAGCCAGAAGATGTCTTGCTGAAGCACCAGGCCAGCATCA[A>G]TGAGCTCAAAAGGACCCTGAAGGAGCCCAACAGCAAACTCATCCACCGGGATCGAGACTG-3'
Protein context (NP_036288.2, residues 502-522): DVLLKHQASI[Asn512Ser]ELKRTLKEPN

ClinVar aggregate classification (germline): Uncertain significance (1 of 4 stars; one submission).

gnomAD v4.1: 5 of 1,614,020 alleles (0.00031%); highest among the groups gnomAD compares: East Asian, 0.0045%; no homozygotes.

Submission:

Women's Health and Genetics/Laboratory Corporation of America, LabCorp
Classification: Uncertain significance. Last evaluated: 2026-03-17. Review status: criteria provided, single submitter. Criteria: LabCorp Variant Classification Summary - May 2015. Collection method: clinical testing. Allele origin: germline.
Comment: Variant summary: EPB41L1 c.1535A>G (p.Asn512Ser) results in a conservative amino acid change in the encoded protein sequence. Algorithms developed to predict the effect of missense changes on protein structure and function are either unavailable or do not agree on the potential impact of this missense change. The variant allele was found at a frequency of 1.2e-05 in 251460 control chromosomes. The available data on variant occurrences in the general population are insufficient to allow any conclusion about variant significance. To our knowledge, no occurrence of c.1535A>G in individuals affected with EPB41L1-related conditions and no experimental evidence demonstrating its impact on protein function have been reported. No submitters have cited clinical-significance assessments for this variant to ClinVar. Based on the evidence outlined above, the variant was classified as uncertain significance.